The following is an entry in ClinVar:

ClinVar aggregate classification (germline): Conflicting classifications of pathogenicity. Review status: criteria provided, conflicting classifications (1 of 4 stars). 3 submissions from 3 submitters: Pathogenic (1); Likely pathogenic (1); Uncertain significance (1). Last evaluated 2025-09-01.

Conditions:
Cowden syndrome 7 (CWS7). Identifiers: Orphanet 201, MedGen C4225179, MONDO:0014802, OMIM 616858.
Congenital dyserythropoietic anemia, type II (CDAN2). Also called: DYSERYTHROPOIETIC ANEMIA, HEMPAS TYPE. Identifiers: Orphanet 98873, MedGen C1306589, MONDO:0009134, OMIM 224100.
Congenital dyserythropoietic anemia. Identifiers: Orphanet 85, MedGen C0002876, MONDO:0019403.

Submissions (3):

CeGaT Center for Human Genetics Tuebingen
Classification: Uncertain significance. Last evaluated: 2025-09-01. Review status: criteria provided, single submitter. Criteria: CeGaT Center For Human Genetics Tuebingen Variant Classification Criteria Version 2. Collection method: clinical testing. Allele origin: germline. Affected: yes. Observed: 1 variant allele.
Comment: SEC23B: PM2, PVS1:Moderate

Labcorp Genetics (formerly Invitae), Labcorp
Classification: Pathogenic for Congenital dyserythropoietic anemia, type II; Cowden syndrome 7. Last evaluated: 2023-06-18. Review status: criteria provided, single submitter. Criteria: Invitae Variant Classification Sherloc (09022015). Collection method: clinical testing. Allele origin: germline.
Comment: ClinVar contains an entry for this variant (Variation ID: 666985). For these reasons, this variant has been classified as Pathogenic. This variant has not been reported in the literature in individuals affected with SEC23B-related conditions. This variant is not present in population databases (gnomAD no frequency). This sequence change creates a premature translational stop signal (p.Leu360Trpfs*3) in the SEC23B gene. It is expected to result in an absent or disrupted protein product. Loss-of-function variants in SEC23B are known to be pathogenic (PMID: 19561605, 25044164).

Laboratory for Molecular Medicine, Mass General Brigham Personalized Medicine
Classification: Likely pathogenic for Congenital dyserythropoietic anemia. Last evaluated: 2018-06-27. Review status: criteria provided, single submitter. Criteria: LMM Criteria. Collection method: clinical testing. Allele origin: germline. Inheritance: Autosomal recessive inheritance. Observed: 1 variant allele.
Comment: The p.Leu360TrpfsX3 variant in SEC23B has not been previously reported in indivi duals with congenital dyserythropoietic anemia and was absent from large populat ion studies. This variant is predicted to cause a frameshift, which alters the p rotein?s amino acid sequence beginning at position 360 and leads to a premature termination codon 3 amino acids downstream. This alteration is then predicted to lead to a truncated or absent protein. Biallelic loss of function of the SEC23 B gene is an established disease mechanism in congenital dyserythropoietic anemi a. In summary, this variant meets our criteria to be classified as likely pathog enic for congenital dyserythropoietic anemia in an autosomal recessive manner ba sed on the predicted impact on the protein and absence from controls. ACMG/AMP C riteria applied: PVS1, PM2.

Literature cited by the submitters: PubMed 19561605 (cited by Labcorp Genetics (formerly Invitae), Labcorp); PubMed 25044164 (cited by Labcorp Genetics (formerly Invitae), Labcorp).

NM_006363.6(SEC23B):c.1079del (p.Leu360fs)

Gene: SEC23B (SEC23 homolog B, COPII component; plus strand). Cytogenetic location: 20p11.23.
Variant type: Deletion.
Coding change: c.1079del on transcript NM_006363.6 (MANE Select); coding-DNA position 1079, one base deleted (T; older notation c.1079delT).
Protein change: p.Leu360fs; shifts the reading frame from leucine 360.
Molecular consequence: frameshift variant.
Genome position (GRCh38, 1-based): chr20:18,527,581, T deleted; the last of 4 consecutive T bases (chr20:18,527,578-18,527,581); deleting any one gives the same sequence. VCF-style (leftmost placement, unchanged base first): chr20-18527577-CT-C. GRCh37 (hg19) VCF-style: chr20-18508221-CT-C.
Other names: c.1079del, p.Leu360fs (NM_001172745.3, NM_032985.6, NM_032986.5); c.1025del, p.Leu342fs (NM_001172746.3); short protein forms L360fs, L342fs.
Identifiers: ClinVar variation 666985 (VCV000666985.14), dbSNP rs1600244935, ClinGen allele CA915951346.